The following is an entry in ClinVar:

ClinVar aggregate classification (germline): Uncertain significance (1 of 4 stars; one submission).

Allele frequency attached by ClinVar (database versions not stated): TOPMed below 0.00001.

Submission:

Ambry Genetics
Classification: Uncertain significance. Last evaluated: 2022-02-18. Review status: criteria provided, single submitter. Criteria: Ambry Variant Classification Scheme 2023. Collection method: clinical testing. Allele origin: germline.
Comment: The p.P381S variant (also known as c.1141C>T), located in coding exon 9 of the RECQL gene, results from a C to T substitution at nucleotide position 1141. The proline at codon 381 is replaced by serine, an amino acid with similar properties. This amino acid position is conserved. In addition, the in silico prediction for this alteration is inconclusive. Since supporting evidence is limited at this time, the clinical significance of this alteration remains unclear.

NM_002907.4(RECQL):c.1141C>T (p.Pro381Ser)

Gene: RECQL (RecQ like helicase; minus strand). Cytogenetic location: 12p12.1.
Variant type: single nucleotide variant.
Coding change: c.1141C>T on transcript NM_002907.4 (MANE Select); coding-DNA position 1141, C replaced by T.
Protein change: p.Pro381Ser; replaces proline 381 with serine.
Molecular consequence: missense variant.
Genome position (GRCh38, 1-based): chr12:21,475,543, G>A on the plus strand (C>T on the coding strand, the complement: RECQL is on the minus strand). VCF-style: chr12-21475543-G-A. GRCh37 (hg19) VCF-style: chr12-21628477-G-A.
Other names: c.1141C>T, p.Pro381Ser (NM_032941.3); short protein forms P381S.
Identifiers: ClinVar variation 1731465 (VCV001731465.2), dbSNP rs1290790769, ClinGen allele CA384119938.